The following is an entry in ClinVar:

NM_000543.5(SMPD1):c.760dup (p.Leu254fs)

Gene: SMPD1 (sphingomyelin phosphodiesterase 1; plus strand). Cytogenetic location: 11p15.4.
Variant type: Duplication.
Coding change: c.760dup on transcript NM_000543.5 (MANE Select); coding-DNA position 760, one base duplicated (C; older notation c.760dupC).
Protein change: p.Leu254fs; shifts the reading frame from leucine 254.
Molecular consequence: frameshift variant. On other transcripts: 5 prime UTR variant (1), non-coding transcript variant (1).
Genome position (GRCh38, 1-based): chr11:6,391,825, C duplicated; the last of 2 consecutive C bases (chr11:6,391,824-6,391,825); duplicating either gives the same sequence. VCF-style (leftmost placement, unchanged base first): chr11-6391823-A-AC. GRCh37 (hg19) VCF-style: chr11-6413053-A-AC.
Other names: c.757dup, p.Leu253fs (NM_001007593.3); c.760dup, p.Leu254fs (NM_001318087.2, NM_001365135.2); c.-202dup (NM_001318088.2); short protein forms L253fs, L254fs.
Identifiers: ClinVar variation 5011759 (VCV005011759.1).

ClinVar aggregate classification (germline): Pathogenic (1 of 4 stars; one submission).

Conditions:
Acid sphingomyelinase deficiency. Identifiers: Orphanet 618899, MedGen C5243927, MONDO:0100464.

Submission:

Myriad Genetics, Inc.
Classification: Pathogenic for Acid sphingomyelinase deficiency. Last evaluated: 2023-09-27. Review status: criteria provided, single submitter. Criteria: Myriad Autosomal Dominant, Autosomal Recessive and X-Linked Classification Criteria (2023). Collection method: clinical testing. Allele origin: unknown.
Comment: NM_000543.4(SMPD1):c.760dupC(L254Pfs*20) is expected to be pathogenic in the context of Niemann-Pick disease, SMPD1-related. This variant is predicted to lead to an abnormal or absent protein product due to the creation of a premature termination codon in SMPD1, a gene where loss-of-function variants are known to be pathogenic. Please note: this variant was assessed in the context of healthy population screening.